The following is an entry in ClinVar:

NM_018027.5(FRMD4A):c.45+232914_45+232916dup

Gene: FRMD4A (FERM domain containing 4A; minus strand). Cytogenetic location: 10p13.
Variant type: Duplication.
Coding change: c.45+232914_45+232916dup on transcript NM_018027.5 (MANE Select); bases 232914 to 232916 of the intron after coding-DNA position 45, 3 bases duplicated (TTT; older notation c.45+232914_45+232916dupTTT).
Molecular consequence: intron variant.
Genome position (GRCh38, 1-based): chr10:14,097,142-14,097,144, AAA duplicated on the plus strand (TTT on the coding strand, the reverse complement: FRMD4A is on the minus strand); duplicating any 3 consecutive bases within chr10:14,097,142-14,097,167 gives the same sequence; the c. name uses the placement nearest the transcript's 3' end. VCF-style (leftmost placement, unchanged base first): chr10-14097141-C-CAAA. GRCh37 (hg19) VCF-style: chr10-14139140-C-CAAA.
Identifiers: ClinVar variation 4084845 (VCV004084845.8).

ClinVar aggregate classification (germline): Benign (1 of 4 stars; one submission).

Submission:

CeGaT Center for Human Genetics Tuebingen
Classification: Benign. Last evaluated: 2026-07-01. Review status: criteria provided, single submitter. Criteria: CeGaT Center For Human Genetics Tuebingen Variant Classification Criteria Version 2. Collection method: clinical testing. Allele origin: germline. Affected: yes. Observed: 3 variant alleles.
Comment: FRMD4A: BS1, BS2